The following is an entry in ClinVar:

ClinVar aggregate classification (germline): Likely benign (0 of 4 stars; one submission).

Conditions:
RECQL4-related disorder. Also called: RECQL4-related condition; RECQL4-related disorders.

gnomAD v4.1: 34 of 1,611,978 alleles (0.0021%); highest among the groups gnomAD compares: African/African-American, 0.037%; no homozygotes.

Submission:

PreventionGenetics, part of Exact Sciences
Classification: Likely benign for RECQL4-related condition. Last evaluated: 2022-02-17. Review status: no assertion criteria provided. Collection method: clinical testing. Allele origin: germline.
Comment: This variant is classified as likely benign based on ACMG/AMP sequence variant interpretation guidelines (Richards et al. 2015 PMID: 25741868, with internal and published modifications).

NM_004260.4(RECQL4):c.*9C>G

Gene: RECQL4 (RecQ like helicase 4; minus strand). Cytogenetic location: 8q24.3.
Variant type: single nucleotide variant.
Coding change: c.*9C>G on transcript NM_004260.4 (MANE Select); 9 bases downstream of the stop codon, C replaced by G.
Molecular consequence: 3 prime UTR variant. On other transcripts: non-coding transcript variant (3).
Genome position (GRCh38, 1-based): chr8:144,511,422, G>C on the plus strand (C>G on the coding strand, the complement: RECQL4 is on the minus strand). VCF-style: chr8-144511422-G-C. GRCh37 (hg19) VCF-style: chr8-145736805-G-C.
Other names: c.*9C>G (NM_001413017.1, NM_001413018.1, NM_001413019.1 and 23 more transcripts).
Identifiers: ClinVar variation 3029450 (VCV003029450.2), dbSNP rs55805048, ClinGen allele CA4947613.
Genomic context (GRCh38, chr8:144,511,422, plus strand): 5'-CAGGTCCTCAGTCACTGCCCTAGCCTCTGACAACCCCAGCTCTACCCGACATCCCCCAAT[G>C]CAGTGCAGTCAGCGGGCCACCTGCAGGAGCTCTTCCGTGGCCAGGCCCACCAGGGCATGG-3'